The following is an entry in ClinVar:

NM_000432.4(MYL2):c.4-3C>G

Genes: MYL2 (myosin light chain 2; minus strand), LOC114827850 (VISTA enhancer hs2149; plus strand). Cytogenetic location: 12q24.11.
Variant type: single nucleotide variant.
Coding change: c.4-3C>G on transcript NM_000432.4 (MANE Select); 3 bases into the intron before coding-DNA position 4, C replaced by G.
Molecular consequence: intron variant.
Genome position (GRCh38, 1-based): chr12:110,919,196, G>C on the plus strand (C>G on the coding strand, the complement: MYL2 is on the minus strand). VCF-style: chr12-110919196-G-C. GRCh37 (hg19) VCF-style: chr12-111357000-G-C.
Other names: c.-54-3C>G (NM_001406916.1); c.4-3C>G (NM_001406745.1).
Identifiers: ClinVar variation 2773982 (VCV002773982.2), dbSNP rs112595556, ClinGen allele CA243565741.
Genomic context (GRCh38, chr12:110,919,196, plus strand): 5'-ACATGGAGAACACGTTGGAGTTGGCGCCCCCGGCTCTCTTCTTTGCTTTCTTAGGTGCCT[G>C]GGGGAAAAAAGCATCGATTAAAAGAGTGAGAGGCTGGGAGTCAAAAAACTAGGTCAGGCC-3'

ClinVar aggregate classification (germline): Uncertain significance (1 of 4 stars; one submission).

Conditions:
Cardiomyopathy (CMYO). Also called: Cardiomyopathies. Identifiers: Orphanet 167848, MedGen C0878544, MONDO:0004994, HP:0001638. Inheritance: Various modes of inheritance.

Allele frequency attached by ClinVar (database versions not stated): gnomAD exomes below 0.00001; TOPMed below 0.00001.
gnomAD v4.1: 1 of 1,612,464 alleles (0.000062%); highest among the groups gnomAD compares: South Asian, 0.0011%; no homozygotes.

Submission:

Color Diagnostics, LLC DBA Color Health
Classification: Uncertain significance for Cardiomyopathy. Last evaluated: 2023-03-15. Review status: criteria provided, single submitter. Criteria: ACMG Guidelines, 2015. Collection method: clinical testing. Allele origin: germline.
Comment: This variant causes a C to G nucleotide substitution at the -3 position of intron 1 of the MYL2 gene. Splice site prediction tools predict that this variant may have a significant impact on RNA splicing. To our knowledge, functional studies have not been reported for this variant. This variant has been reported in an individual affected with hypertrophic cardiomyopathy (DOI:10.4172/2157-7412.1000312). This variant has been identified in 1/250710 chromosomes in the general population by the Genome Aggregation Database (gnomAD). The available evidence is insufficient to determine the role of this variant in disease conclusively. Therefore, this variant is classified as a Variant of Uncertain Significance.